The following is an entry in ClinVar:

NM_016284.5(CNOT1):c.2892-8G>T

Gene: CNOT1 (CCR4-NOT transcription complex subunit 1; minus strand). Cytogenetic location: 16q21.
Variant type: single nucleotide variant.
Coding change: c.2892-8G>T on transcript NM_016284.5 (MANE Select); 8 bases into the intron before coding-DNA position 2892, G replaced by T.
Molecular consequence: intron variant.
Genome position (GRCh38, 1-based): chr16:58,553,868, C>A on the plus strand (G>T on the coding strand, the complement: CNOT1 is on the minus strand). VCF-style: chr16-58553868-C-A. GRCh37 (hg19) VCF-style: chr16-58587772-C-A.
Other names: c.2892-8G>T (NM_016284.4, NM_206999.3); c.2877-8G>T (NM_001265612.2).
Identifiers: ClinVar variation 711650 (VCV000711650.10), dbSNP rs56186796, ClinGen allele CA8089557.
Genomic context (GRCh38, chr16:58,553,868, plus strand): 5'-TAAAGTGACTGATAGAAGCCAAATGCTGACAATACTGGGGATAGTCCTTCAATCTGCCAA[C>A]AAAATTATTCTACCATCATTTCATGTCAGAACAGAAGCATCACTAACAAAATGTTTTTGT-3'

ClinVar aggregate classification (germline): Benign. Review status: criteria provided, single submitter (1 of 4 stars). 2 submissions from 2 submitters: Benign (1). 1 of the submissions does not count toward it. Last evaluated 2026-01-17.

Conditions:
CNOT1-related disorder. Also called: CNOT1-related condition.

Allele frequency attached by ClinVar (database versions not stated): gnomAD exomes 0.00331; ExAC 0.00412; ESP Exome Variant Server 0.01300; gnomAD 0.01309 and 0.01411; 1000 Genomes Project 0.01358; 1000 Genomes Project 30x 0.01421; TOPMed 0.01424.
gnomAD v4.1: 3,786 of 1,604,230 alleles (0.24%); highest among the groups gnomAD compares: African/African-American, 4.6%; 88 homozygotes.

Submissions (2):

Labcorp Genetics (formerly Invitae), Labcorp
Classification: Benign. Last evaluated: 2026-01-17. Review status: criteria provided, single submitter. Criteria: Invitae Variant Classification Sherloc (09022015). Collection method: clinical testing. Allele origin: germline.

PreventionGenetics, part of Exact Sciences
Classification: Benign for CNOT1-related condition. Last evaluated: 2019-03-25. Review status: no assertion criteria provided. Collection method: clinical testing. Allele origin: germline. Not counted in ClinVar's aggregate classification.
Comment: This variant is classified as benign based on ACMG/AMP sequence variant interpretation guidelines (Richards et al. 2015 PMID: 25741868, with internal and published modifications).